The following is an entry in ClinVar:

ClinVar aggregate classification (germline): Uncertain significance (1 of 4 stars; one submission).

Conditions:
Wilson-Turner syndrome (WTS). Also called: MENTAL RETARDATION, X-LINKED, SYNDROMIC 6; INTELLECTUAL DEVELOPMENTAL DISORDER, X-LINKED, SYNDROMIC, WILSON-TURNER TYPE. Identifiers: Orphanet 3459, MedGen C1839736, MONDO:0010665, OMIM 309585.

gnomAD v4.1: 9 of 1,211,781 alleles (0.00074%); highest among the groups gnomAD compares: South Asian, 0.0018%; no homozygotes.

Submission:

Labcorp Genetics (formerly Invitae), Labcorp
Classification: Uncertain significance for Wilson-Turner syndrome. Last evaluated: 2025-02-15. Review status: criteria provided, single submitter. Criteria: Invitae Variant Classification Sherloc (09022015). Collection method: clinical testing. Allele origin: germline.
Comment: This sequence change replaces glycine, which is neutral and non-polar, with arginine, which is basic and polar, at codon 614 of the LAS1L protein (p.Gly614Arg). This variant is present in population databases (rs768219082, gnomAD 0.004%). This variant has not been reported in the literature in individuals affected with LAS1L-related conditions. Invitae Evidence Modeling of protein sequence and biophysical properties (such as structural, functional, and spatial information, amino acid conservation, physicochemical variation, residue mobility, and thermodynamic stability) indicates that this missense variant is not expected to disrupt LAS1L protein function with a negative predictive value of 80%. In summary, the available evidence is currently insufficient to determine the role of this variant in disease. Therefore, it has been classified as a Variant of Uncertain Significance.

NM_031206.7(LAS1L):c.1840G>A (p.Gly614Arg)

Gene: LAS1L (LAS1 like ribosome biogenesis factor; minus strand). Cytogenetic location: Xq12.
Variant type: single nucleotide variant.
Coding change: c.1840G>A on transcript NM_031206.7 (MANE Select); coding-DNA position 1840, G replaced by A.
Protein change: p.Gly614Arg; replaces glycine 614 with arginine.
Molecular consequence: missense variant. On other transcripts: non-coding transcript variant (3).
Genome position (GRCh38, 1-based): chrX:65,518,074, C>T on the plus strand (G>A on the coding strand, the complement: LAS1L is on the minus strand). VCF-style: chrX-65518074-C-T. GRCh37 (hg19) VCF-style: chrX-64737954-C-T.
Other names: c.1789G>A, p.Gly597Arg (NM_001170649.2, NM_001375333.1); c.1663G>A, p.Gly555Arg (NM_001170650.2); c.1840G>A, p.Gly614Arg (NM_001375328.1); c.883G>A, p.Gly295Arg (NM_001375332.1); short protein forms G295R, G555R, G597R, G614R.
Identifiers: ClinVar variation 4811989 (VCV004811989.1).
Genomic context (GRCh38, chrX:65,518,074, plus strand): 5'-GCAAAGCTCCTCTTTTCTGGGCCAGAAGCCTAGCATTCTCGGCAGTGGGGGACTCTTGCC[C>T]TGTAGAGAAAGGCCCCACCTCCATTCTGTCTTCCTCTTCATCATCTTCATCATCTTCATC-3'
Protein context (NP_112483.1, residues 604-624): DRMEVGPFST[Gly614Arg]QESPTAENAR